The following continues an entry in ClinVar:

NM_000051.4(ATM):c.7381C>T (p.Arg2461Cys)

ClinVar aggregate classification (germline): Conflicting classifications of pathogenicity. Uncertain significance (11); Benign (1); Likely benign (3).

Submissions 12 to 19 of 19:

Women's Health and Genetics/Laboratory Corporation of America, LabCorp
Classification: Likely benign. Last evaluated: 2023-01-30. Review status: criteria provided, single submitter. Criteria: LabCorp Variant Classification Summary - May 2015. Collection method: clinical testing. Allele origin: germline.
Comment: Variant summary: ATM c.7381C>T (p.Arg2461Cys) results in a non-conservative amino acid change in the encoded protein sequence. Five of five in-silico tools predict a damaging effect of the variant on protein function. The variant allele was found at a frequency of 8.4e-05 in 251274 control chromosomes. This frequency is not significantly higher than expected for a pathogenic variant in ATM causing Ataxia-Telangiectasia (8.4e-05 vs 0.004), allowing no conclusion about variant significance. c.7381C>T has been reported as a VUS in the literature in individuals undergoing hereditary cancer panel testing for a variety of cancer indications (example, Ring_2016, Pearlman_2017, Feliubadalo_2017). These report(s) do not provide unequivocal conclusions about association of the variant with Ataxia-Telangiectasia/breast cancer. At-least one co-occurrence with another pathogenic variant has been observed at our laboratory (BRCA1 c.2744_2745delCT, p.Ser915*), providing supporting evidence for a benign role in relationship to breast cancer but not Ataxia-Telangiectasia. To our knowledge, no experimental evidence demonstrating an impact on protein function has been reported. Eight clinical diagnostic laboratories have submitted clinical-significance assessments for this variant to ClinVar after 2014 without evidence for independent evaluation (VUS, n=7; likely benign, n=1). Some submitters cite overlapping evidence utilized in the context of this evaluation. Based on the evidence outlined above, the variant was classified as likely benign.

Spanish ATM Cancer Susceptibility Variant Interpretation Working Group
Classification: Uncertain significance for Hereditary cancer-predisposing syndrome. Last evaluated: 2020-06-17. Review status: criteria provided, single submitter. Criteria: Feliubadaló L et al. (Clin Chem 2021). Collection method: clinical testing. Allele origin: germline. Affected: yes. Observed: 1 heterozygote.
Comment: The c.7381C>T (p.Arg2461Cys) variant has an allele frequency of 0.000093 (0.009%, 25/268,148 alleles) in the gnomAD v2.1.1 non-cancer dataset, with a maximal frequency of 0.00064 (0.06%, 15/23,620 alleles) in the Afican subpopulation (no population frequency criterion met). It is not predicted to lead to a splicing alteration as per SPiCE predictor. A cryptic acceptor site is activated according to SpliceSiteFinderlike and MaxEnt, but its score slightly exceeds the natural one only according to SpliceSiteFinderlike and no splicing site is created/activated according to NNSplice and GeneSplicer. However, missense variant alters the protein function / structure on the in-silico prediction reports of REVEL and PROVEAN (PP3). There is no other supporting data that meet criteria for consideration. Therefore, the clinical significance of this variant is uncertain. Adapted ACMG/AMP rules applied as defined by the Spanish ATM working group: PP3 (PMID: 33280026).

Fulgent Genetics
Classification: Uncertain significance for Familial cancer of breast; Ataxia-telangiectasia syndrome. Last evaluated: 2018-10-31. Review status: criteria provided, single submitter. Criteria: ACMG Guidelines, 2015. Collection method: clinical testing. Allele origin: unknown.

Illumina Laboratory Services, Illumina
Classification: Uncertain significance for Ataxia-telangiectasia syndrome. Last evaluated: 2017-11-21. Review status: criteria provided, single submitter. Criteria: ICSL Variant Classification Criteria 13 December 2019. Collection method: clinical testing. Allele origin: germline.
Comment: This variant was observed as part of a predisposition screen in an ostensibly healthy population. A literature search was performed for the gene, cDNA change, and amino acid change (where applicable). Publications were found based on this search. However, the evidence from the literature, in combination with allele frequency data from public databases where available, was not sufficient to rule this variant in or out of causing disease. Therefore, this variant is classified as a variant of unknown significance.

Counsyl
Classification: Uncertain significance for Ataxia-telangiectasia syndrome. Last evaluated: 2018-06-04. Review status: no assertion criteria provided. Collection method: clinical testing. Allele origin: unknown. Not counted in ClinVar's aggregate classification.

Clinical Genetics DNA and cytogenetics Diagnostics Lab, Erasmus MC, Erasmus Medical Center
Classification: Uncertain significance. Review status: no assertion criteria provided. Collection method: clinical testing. Allele origin: germline. Affected: yes. Study: VKGL Data-share Consensus. Not counted in ClinVar's aggregate classification.

Diagnostic Laboratory, Department of Genetics, University Medical Center Groningen
Classification: Uncertain significance. Review status: no assertion criteria provided. Collection method: clinical testing. Allele origin: germline. Affected: yes. Study: VKGL Data-share Consensus. Not counted in ClinVar's aggregate classification.

Joint Genome Diagnostic Labs from Nijmegen and Maastricht, Radboudumc and MUMC+
Classification: Uncertain significance. Review status: no assertion criteria provided. Collection method: clinical testing. Allele origin: germline. Affected: yes. Study: VKGL Data-share Consensus. Not counted in ClinVar's aggregate classification.

Literature cited by the submitters: PubMed 24983367 (cited by Ambry Genetics); PubMed 26010451 (cited by Ambry Genetics); PubMed 27443514 (cited by 4 submitters); PubMed 27498913 (cited by 3 submitters); PubMed 27978560 (cited by 4 submitters); PubMed 29058119 (cited by Ambry Genetics); PubMed 29356034 (cited by Ambry Genetics and Color Diagnostics, LLC DBA Color Health); PubMed 31617914 (cited by Ambry Genetics); PubMed 32832836 (cited by Ambry Genetics); PubMed 28135145 (cited by Color Diagnostics, LLC DBA Color Health); PubMed 33471991 (cited by Color Diagnostics, LLC DBA Color Health); PubMed 25085752 (cited by Myriad Genetics, Inc.); PubMed 33280026 (cited by Women's Health and Genetics/Laboratory Corporation of America, LabCorp); PubMed 23532176 (cited by Illumina Laboratory Services, Illumina).